The following is an entry in ClinVar:

NM_001099271.2(POC5):c.796G>T (p.Val266Phe)

Gene: POC5 (POC5 centriolar protein; minus strand). Cytogenetic location: 5q13.3.
Variant type: single nucleotide variant.
Coding change: c.796G>T on transcript NM_001099271.2 (MANE Select); coding-DNA position 796, G replaced by T.
Protein change: p.Val266Phe; replaces valine 266 with phenylalanine.
Molecular consequence: missense variant.
Genome position (GRCh38, 1-based): chr5:75,690,562, C>A on the plus strand (G>T on the coding strand, the complement: POC5 is on the minus strand). VCF-style: chr5-75690562-C-A. GRCh37 (hg19) VCF-style: chr5-74986387-C-A.
Other names: c.721G>T, p.Val241Phe (NM_152408.3); c.796G>T (NM_001099271.1); short protein forms V266F, V241F.
Identifiers: ClinVar variation 1398070 (VCV001398070.7), dbSNP rs1410107964, ClinGen allele CA360146822.

ClinVar aggregate classification (germline): Uncertain significance. Review status: criteria provided, multiple submitters, no conflicts (2 of 4 stars). 2 submissions from 2 submitters: Uncertain significance (2). Last evaluated 2025-11-20.

Allele frequency attached by ClinVar (database versions not stated): gnomAD exomes 0.00001; gnomAD 0.00003; TOPMed 0.00004.
gnomAD v4.1: 12 of 1,551,270 alleles (0.00077%); highest among the groups gnomAD compares: African/African-American, 0.015%; no homozygotes.

Submissions (2):

Ambry Genetics
Classification: Uncertain significance. Last evaluated: 2025-11-20. Review status: criteria provided, single submitter. Criteria: Ambry Variant Classification Scheme 2023. Collection method: clinical testing. Allele origin: germline.

Labcorp Genetics (formerly Invitae), Labcorp
Classification: Uncertain significance. Last evaluated: 2025-03-18. Review status: criteria provided, single submitter. Criteria: Invitae Variant Classification Sherloc (09022015). Collection method: clinical testing. Allele origin: germline.
Comment: This sequence change replaces valine, which is neutral and non-polar, with phenylalanine, which is neutral and non-polar, at codon 266 of the POC5 protein (p.Val266Phe). The frequency data for this variant in the population databases is considered unreliable, as metrics indicate poor data quality at this position in the gnomAD database. This variant has not been reported in the literature in individuals affected with POC5-related conditions. ClinVar contains an entry for this variant (Variation ID: 1398070). An algorithm developed to predict the effect of missense changes on protein structure and function (PolyPhen-2) suggests that this variant is likely to be disruptive. In summary, the available evidence is currently insufficient to determine the role of this variant in disease. Therefore, it has been classified as a Variant of Uncertain Significance.